The following is an entry in ClinVar:

ClinVar aggregate classification (germline): Uncertain significance (1 of 4 stars; one submission).

Conditions:
Dyskeratosis congenita, autosomal recessive 6 (DKCB6). Identifiers: MedGen C4225356, MONDO:0014600, OMIM 616353.
Pulmonary fibrosis and/or bone marrow failure, Telomere-related, 4. Also called: PULMONARY FIBROSIS AND/OR BONE MARROW FAILURE SYNDROME, TELOMERE-RELATED, 4. Identifiers: Orphanet 2032, MedGen C4225347, MONDO:0014612, OMIM 616371.

Allele frequency attached by ClinVar (database versions not stated): TOPMed 0.00001.
gnomAD v4.1: 1 of 1,613,514 alleles (0.000062%); highest among the groups gnomAD compares: Non-Finnish European, 0.000085%; no homozygotes.

Submission:

Labcorp Genetics (formerly Invitae), Labcorp
Classification: Uncertain significance for Dyskeratosis congenita, autosomal recessive 6; Pulmonary fibrosis and/or bone marrow failure, Telomere-related, 4. Last evaluated: 2019-12-17. Review status: criteria provided, single submitter. Criteria: Invitae Variant Classification Sherloc (09022015). Collection method: clinical testing. Allele origin: germline.
Comment: In summary, the available evidence is currently insufficient to determine the role of this variant in disease. Therefore, it has been classified as a Variant of Uncertain Significance. Algorithms developed to predict the effect of missense changes on protein structure and function are either unavailable or do not agree on the potential impact of this missense change (SIFT: "Deleterious"; PolyPhen-2: "Benign"; Align-GVGD: "Class C0"). This variant has not been reported in the literature in individuals with PARN-related conditions. This variant is not present in population databases (ExAC no frequency). This sequence change replaces aspartic acid with tyrosine at codon 588 of the PARN protein (p.Asp588Tyr). The aspartic acid residue is moderately conserved and there is a large physicochemical difference between aspartic acid and tyrosine.

NM_002582.4(PARN):c.1762G>T (p.Asp588Tyr)

Gene: PARN (poly(A)-specific ribonuclease; minus strand). Cytogenetic location: 16p13.12.
Variant type: single nucleotide variant.
Coding change: c.1762G>T on transcript NM_002582.4 (MANE Select); coding-DNA position 1762, G replaced by T.
Protein change: p.Asp588Tyr; replaces aspartic acid 588 with tyrosine.
Molecular consequence: missense variant.
Genome position (GRCh38, 1-based): chr16:14,446,990, C>A on the plus strand (G>T on the coding strand, the complement: PARN is on the minus strand). VCF-style: chr16-14446990-C-A. GRCh37 (hg19) VCF-style: chr16-14540847-C-A.
Other names: c.1579G>T, p.Asp527Tyr (NM_001134477.3); c.1624G>T, p.Asp542Tyr (NM_001242992.2); short protein forms D527Y, D542Y, D588Y.
Identifiers: ClinVar variation 848576 (VCV000848576.14), dbSNP rs750247455, ClinGen allele CA395184428.